The following is an entry in ClinVar:

ClinVar aggregate classification (germline): Uncertain significance (1 of 4 stars; one submission).

Conditions:
Alstrom syndrome (ALMS). Identifiers: Orphanet 64, MedGen C0268425, MONDO:0008763, OMIM 203800.

Submission:

Labcorp Genetics (formerly Invitae), Labcorp
Classification: Uncertain significance for Alstrom syndrome. Last evaluated: 2024-01-19. Review status: criteria provided, single submitter. Criteria: Invitae Variant Classification Sherloc (09022015). Collection method: clinical testing. Allele origin: germline.
Comment: This variant, c.11105_11107del, results in the deletion of 1 amino acid(s) of the ALMS1 protein (p.His3702del), but otherwise preserves the integrity of the reading frame. This variant is present in population databases (no rsID available, gnomAD 0.007%). This variant has not been reported in the literature in individuals affected with ALMS1-related conditions. Experimental studies and prediction algorithms are not available or were not evaluated, and the functional significance of this variant is currently unknown. In summary, the available evidence is currently insufficient to determine the role of this variant in disease. Therefore, it has been classified as a Variant of Uncertain Significance.

NM_001378454.1(ALMS1):c.11099ATC[1] (p.His3701del)

Gene: ALMS1 (ALMS1 centrosome and basal body associated protein; plus strand). Cytogenetic location: 2p13.1.
Variant type: Microsatellite.
Coding change: c.11099ATC[1] on transcript NM_001378454.1 (MANE Select); one copy of the 3-base unit ATC starting at c.11099; the reference has two copies in a row; one copy, 3 bases deleted.
Protein change: p.His3701del; deletes histidine 3701.
Molecular consequence: inframe deletion.
Genome position (GRCh38, 1-based): chr2:73,572,979-73,572,981, ATC deleted; deleting any 3 consecutive bases within chr2:73,572,974-73,572,981 gives the same sequence; the position shown is the placement nearest the transcript's 3' end. VCF-style (leftmost placement, unchanged base first): chr2-73572973-CTCA-C. GRCh37 (hg19) VCF-style: chr2-73800100-CTCA-C.
Other names: c.11102ATC[1], p.His3702del (NM_015120.4); short protein forms H3702del, H3701del.
Identifiers: ClinVar variation 1476111 (VCV001476111.4), dbSNP rs1426150645, ClinGen allele CA534123634.